The following is an entry in ClinVar:

ClinVar aggregate classification (germline): Uncertain significance. Review status: criteria provided, multiple submitters, no conflicts (2 of 4 stars). 2 submissions from 2 submitters: Uncertain significance (2). Last evaluated 2025-06-03.

Allele frequency attached by ClinVar (database versions not stated): gnomAD 0.00001; TOPMed 0.00001.
gnomAD v4.1: 2 of 1,389,696 alleles (0.00014%); highest among the groups gnomAD compares: African/African-American, 0.003%; no homozygotes.

Submissions (2):

Labcorp Genetics (formerly Invitae), Labcorp
Classification: Uncertain significance. Last evaluated: 2025-06-03. Review status: criteria provided, single submitter. Criteria: Invitae Variant Classification Sherloc (09022015). Collection method: clinical testing. Allele origin: germline.
Comment: This sequence change replaces histidine, which is basic and polar, with leucine, which is neutral and non-polar, at codon 165 of the GATA5 protein (p.His165Leu). This variant is not present in population databases (gnomAD no frequency). This variant has not been reported in the literature in individuals affected with GATA5-related conditions. ClinVar contains an entry for this variant (Variation ID: 1399173). Invitae Evidence Modeling of protein sequence and biophysical properties (such as structural, functional, and spatial information, amino acid conservation, physicochemical variation, residue mobility, and thermodynamic stability) indicates that this missense variant is not expected to disrupt GATA5 protein function with a negative predictive value of 80%. In summary, the available evidence is currently insufficient to determine the role of this variant in disease. Therefore, it has been classified as a Variant of Uncertain Significance.

Ambry Genetics
Classification: Uncertain significance. Last evaluated: 2025-03-18. Review status: criteria provided, single submitter. Criteria: Ambry Variant Classification Scheme 2023. Collection method: clinical testing. Allele origin: germline.

NM_080473.5(GATA5):c.494A>T (p.His165Leu)

Gene: GATA5 (GATA binding protein 5; minus strand). Cytogenetic location: 20q13.33.
Variant type: single nucleotide variant.
Coding change: c.494A>T on transcript NM_080473.5 (MANE Select); coding-DNA position 494, A replaced by T.
Protein change: p.His165Leu; replaces histidine 165 with leucine.
Molecular consequence: missense variant.
Genome position (GRCh38, 1-based): chr20:62,475,028, T>A on the plus strand (A>T on the coding strand, the complement: GATA5 is on the minus strand). VCF-style: chr20-62475028-T-A. GRCh37 (hg19) VCF-style: chr20-61050084-T-A.
Other names: c.494A>T (NM_080473.4); short protein forms H165L.
Identifiers: ClinVar variation 1399173 (VCV001399173.9), dbSNP rs1267045225, ClinGen allele CA409556248.